The following is an entry in ClinVar:

NM_032782.5(HAVCR2):c.414G>T (p.Pro138=)

Gene: HAVCR2 (hepatitis A virus cellular receptor 2; minus strand). Cytogenetic location: 5q33.3.
Variant type: single nucleotide variant.
Coding change: c.414G>T on transcript NM_032782.5 (MANE Select); coding-DNA position 414, G replaced by T.
Protein change: p.Pro138=; no amino-acid change (proline 138 retained).
Molecular consequence: synonymous variant.
Genome position (GRCh38, 1-based): chr5:157,104,730, C>A on the plus strand (G>T on the coding strand, the complement: HAVCR2 is on the minus strand). VCF-style: chr5-157104730-C-A. GRCh37 (hg19) VCF-style: chr5-156531741-C-A.
Identifiers: ClinVar variation 5039031 (VCV005039031.1).

ClinVar aggregate classification (germline): Likely benign (1 of 4 stars; one submission).

gnomAD v4.1: 109 of 1,599,430 alleles (0.0068%); highest among the groups gnomAD compares: Non-Finnish European, 0.0089%; no homozygotes.

Submission:

CeGaT Center for Human Genetics Tuebingen
Classification: Likely benign. Last evaluated: 2026-07-01. Review status: criteria provided, single submitter. Criteria: CeGaT Center For Human Genetics Tuebingen Variant Classification Criteria Version 2. Collection method: clinical testing. Allele origin: germline. Affected: yes. Observed: 1 variant allele.
Comment: HAVCR2: BP4, BP7